The following is an entry in ClinVar:

ClinVar aggregate classification (germline): Uncertain significance. Review status: criteria provided, single submitter (1 of 4 stars). 2 submissions from 2 submitters: Uncertain significance (1). 1 of the submissions does not count toward it. Last evaluated 2021-03-10.

Conditions:
RAI1-related disorder. Also called: RAI1-related condition.

Allele frequency attached by ClinVar (database versions not stated): gnomAD exomes 0.00001.
gnomAD v4.1: 13 of 1,613,210 alleles (0.00081%); highest among the groups gnomAD compares: Non-Finnish European, 0.0011%; no homozygotes.

Submissions (2):

Labcorp Genetics (formerly Invitae), Labcorp
Classification: Uncertain significance. Last evaluated: 2021-03-10. Review status: criteria provided, single submitter. Criteria: Invitae Variant Classification Sherloc (09022015). Collection method: clinical testing. Allele origin: germline.
Comment: This sequence change replaces serine with asparagine at codon 1249 of the RAI1 protein (p.Ser1249Asn). The serine residue is weakly conserved and there is a small physicochemical difference between serine and asparagine. This variant is not present in population databases (ExAC no frequency). This variant has not been reported in the literature in individuals with RAI1-related conditions. Algorithms developed to predict the effect of missense changes on protein structure and function are either unavailable or do not agree on the potential impact of this missense change (SIFT: "Deleterious"; PolyPhen-2: "Benign"; Align-GVGD: "Class C0"). In summary, the available evidence is currently insufficient to determine the role of this variant in disease. Therefore, it has been classified as a Variant of Uncertain Significance.

PreventionGenetics, part of Exact Sciences
Classification: Uncertain significance for RAI1-related condition. Last evaluated: 2024-08-30. Review status: no assertion criteria provided. Collection method: clinical testing. Allele origin: germline. Not counted in ClinVar's aggregate classification.
Comment: The RAI1 c.3746G>A variant is predicted to result in the amino acid substitution p.Ser1249Asn. To our knowledge, this variant has not been reported in the literature or in a large population database, indicating this variant is rare. At this time, the clinical significance of this variant is uncertain due to the absence of conclusive functional and genetic evidence.

NM_030665.4(RAI1):c.3746G>A (p.Ser1249Asn)

Gene: RAI1 (retinoic acid induced 1; plus strand). Cytogenetic location: 17p11.2.
Variant type: single nucleotide variant.
Coding change: c.3746G>A on transcript NM_030665.4 (MANE Select); coding-DNA position 3746, G replaced by A.
Protein change: p.Ser1249Asn; replaces serine 1249 with asparagine.
Molecular consequence: missense variant.
Genome position (GRCh38, 1-based): chr17:17,796,694, G>A. VCF-style: chr17-17796694-G-A. GRCh37 (hg19) VCF-style: chr17-17700008-G-A.
Other names: c.3746G>A (NM_030665.3); short protein forms S1249N.
Identifiers: ClinVar variation 1429035 (VCV001429035.9), dbSNP rs2032267431, ClinGen allele CA398554848.
Genomic context (GRCh38, chr17:17,796,694, plus strand): 5'-TGGCGCCGGTCCCCACCAAGAAGCGGAACCTGGTCTTGCGGAGCCGCAGCAGCAGCAGCA[G>A]CAACGCCAGTGGCAATGGGGGAGATGGGAAGGAGGAGAGGCCTGAGGGTTCCCCCACCCT-3'
Protein context (NP_109590.3, residues 1239-1259): LVLRSRSSSS[Ser1249Asn]NASGNGGDGK